The following is an entry in ClinVar:

ClinVar aggregate classification (germline): Benign/Likely benign. Review status: criteria provided, multiple submitters, no conflicts (2 of 4 stars). 2 submissions from 2 submitters: Benign (1); Likely benign (1). Last evaluated 2018-01-13.

Conditions:
Retinitis pigmentosa (RP). Identifiers: Orphanet 791, MedGen C0035334, MeSH D012174, MONDO:0019200, OMIM 268000. Inheritance: Autosomal dominant, autosomal recessive and X linked inheritance.

Allele frequency attached by ClinVar (database versions not stated): gnomAD exomes 0.01233; gnomAD 0.08051 and 0.08647; TOPMed 0.09087; 1000 Genomes Project 0.09345; 1000 Genomes Project 30x 0.10041.

Submissions (2):

Illumina Laboratory Services, Illumina
Classification: Benign for Retinitis pigmentosa. Last evaluated: 2018-01-13. Review status: criteria provided, single submitter. Criteria: ICSL Variant Classification Criteria 13 December 2019. Collection method: clinical testing. Allele origin: germline.
Comment: This variant was observed in the ICSL laboratory as part of a predisposition screen in an ostensibly healthy population. It had not been previously curated by ICSL or reported in the Human Gene Mutation Database (HGMD: prior to June 1st, 2018), and was therefore a candidate for classification through an automated scoring system. Utilizing variant allele frequency, disease prevalence and penetrance estimates, and inheritance mode, an automated score was calculated to assess if this variant is too frequent to cause the disease. Based on the score and internal cut-off values, a variant classified as benign is not then subjected to further curation. The score for this variant resulted in a classification of benign for this disease.

Breakthrough Genomics
Classification: Likely benign. Review status: criteria provided, single submitter. Criteria: ACMG Guidelines, 2015. Collection method: not provided. Allele origin: germline. Inheritance: Unknown mechanism. Affected: yes.

NM_002098.6(GUCA1B):c.*457A>G

Gene: GUCA1B (guanylate cyclase activator 1B; minus strand). Cytogenetic location: 6p21.1.
Variant type: single nucleotide variant.
Coding change: c.*457A>G on transcript NM_002098.6 (MANE Select); 457 bases downstream of the stop codon, A replaced by G.
Molecular consequence: 3 prime UTR variant.
Genome position (GRCh38, 1-based): chr6:42,184,358, T>C on the plus strand (A>G on the coding strand, the complement: GUCA1B is on the minus strand). VCF-style: chr6-42184358-T-C. GRCh37 (hg19) VCF-style: chr6-42152096-T-C.
Identifiers: ClinVar variation 356723 (VCV000356723.7), dbSNP rs9471797, ClinGen allele CA10623891.